The following is an entry in ClinVar:

NM_001130965.3(SUN1):c.873G>A (p.Lys291=)

Gene: SUN1 (Sad1 and UNC84 domain containing 1; plus strand). Cytogenetic location: 7p22.3.
Variant type: single nucleotide variant.
Coding change: c.873G>A on transcript NM_001130965.3 (MANE Select); coding-DNA position 873, G replaced by A.
Protein change: p.Lys291=; no amino-acid change (lysine 291 retained).
Molecular consequence: synonymous variant. On other transcripts: missense variant (1), non-coding transcript variant (3).
Genome position (GRCh38, 1-based): chr7:852,630, G>A. VCF-style: chr7-852630-G-A. GRCh37 (hg19) VCF-style: chr7-892267-G-A.
Other names: c.567G>A, p.Lys189= (NM_001171944.2); c.873G>A, p.Lys291= (NM_001367633.1, NM_001367634.1, NM_001367653.1 and 3 more transcripts); c.522G>A, p.Lys174= (NM_001367635.1); c.1116G>A, p.Lys372= (NM_001367636.1, NM_001367655.1, NM_001367666.1 and 1 more transcripts); c.984G>A, p.Lys328= (NM_001367638.1, NM_001367664.1, NM_001367685.1 and 1 more transcripts); c.417G>A, p.Lys139= (NM_001367639.1); c.1056G>A, p.Lys352= (NM_001367640.1, NM_001367675.1, NM_001367676.1); c.1155G>A, p.Lys385= (NM_001367641.1, NM_001367682.1, NM_001367698.1); and 24 more; short protein forms V75I.
Identifiers: ClinVar variation 704478 (VCV000704478.31), dbSNP rs373974517, ClinGen allele CA4111968.
Genomic context (GRCh38, chr7:852,630, plus strand): 5'-CATTTTTTCTAAGTCAAAGGTTTTCATTGTTACTCCCAGGTGCCTTCGAAACATCTGCAA[G>A]TTTTTAGTCTTGCTCATCCCACTCTTCCTTTTACTAGGTAAGTCAAATCTGGCTGAGTTG-3'
Protein context (NP_001124437.1, residues 281-301): LLTRCLRNIC[Lys291=]FLVLLIPLFL

ClinVar aggregate classification (germline): Likely benign. Review status: criteria provided, multiple submitters, no conflicts (2 of 4 stars). 3 submissions from 3 submitters: Likely benign (3). Last evaluated 2024-03-01.

Conditions:
Emery-Dreifuss muscular dystrophy (EDMD). Also called: Scapuloperoneal syndrome, X-linked (formerly); Humeroperoneal neuromuscular disease, (formerly). Identifiers: Orphanet 261, MedGen C0410189, MONDO:0016830.

Allele frequency attached by ClinVar (database versions not stated): gnomAD exomes 0.00001; TOPMed 0.00001; gnomAD 0.00004; ESP Exome Variant Server 0.00008.
gnomAD v4.1: 21 of 1,614,088 alleles (0.0013%); highest among the groups gnomAD compares: Middle Eastern, 0.033%; no homozygotes.

Submissions (3):

Labcorp Genetics (formerly Invitae), Labcorp
Classification: Likely benign for Emery-Dreifuss muscular dystrophy. Last evaluated: 2024-03-01. Review status: criteria provided, single submitter. Criteria: Invitae Variant Classification Sherloc (09022015). Collection method: clinical testing. Allele origin: germline.

CeGaT Center for Human Genetics Tuebingen
Classification: Likely benign. Last evaluated: 2022-05-01. Review status: criteria provided, single submitter. Criteria: CeGaT Center For Human Genetics Tuebingen Variant Classification Criteria Version 2. Collection method: clinical testing. Allele origin: germline. Affected: yes. Observed: 1 variant allele.
Comment: SUN1: BP4, BP7

Breakthrough Genomics
Classification: Likely benign. Review status: criteria provided, single submitter. Criteria: ACMG Guidelines, 2015. Collection method: not provided. Allele origin: germline. Inheritance: Unknown mechanism. Affected: yes.